The following is an entry in ClinVar:

NM_000494.4(COL17A1):c.2788+1G>A

Gene: COL17A1 (collagen type XVII alpha 1 chain; minus strand). Cytogenetic location: 10q25.1.
Variant type: single nucleotide variant.
Coding change: c.2788+1G>A on transcript NM_000494.4 (MANE Select); the canonical splice donor site of the intron after coding-DNA position 2788, G replaced by A.
Molecular consequence: splice donor variant.
Genome position (GRCh38, 1-based): chr10:104,039,972, C>T on the plus strand (G>A on the coding strand, the complement: COL17A1 is on the minus strand). VCF-style: chr10-104039972-C-T. GRCh37 (hg19) VCF-style: chr10-105799730-C-T.
Identifiers: ClinVar variation 3003770 (VCV003003770.3), dbSNP rs2086341997, ClinGen allele CA378067985.

ClinVar aggregate classification (germline): Likely pathogenic (1 of 4 stars; one submission).

Submission:

Labcorp Genetics (formerly Invitae), Labcorp
Classification: Likely pathogenic. Last evaluated: 2023-04-27. Review status: criteria provided, single submitter. Criteria: Invitae Variant Classification Sherloc (09022015). Collection method: clinical testing. Allele origin: germline.
Comment: Algorithms developed to predict the effect of sequence changes on RNA splicing suggest that this variant may disrupt the consensus splice site. This sequence change affects a donor splice site in intron 41 of the COL17A1 gene. It is expected to disrupt RNA splicing. Variants that disrupt the donor or acceptor splice site typically lead to a loss of protein function (PMID: 16199547), and loss-of-function variants in COL17A1 are known to be pathogenic (PMID: 16473856, 17344927, 20301304, 21357940, 24319098). This variant is not present in population databases (gnomAD no frequency). This variant has not been reported in the literature in individuals affected with COL17A1-related conditions. In summary, the currently available evidence indicates that the variant is pathogenic, but additional data are needed to prove that conclusively. Therefore, this variant has been classified as Likely Pathogenic.

Literature cited by the submitters: PubMed 16199547; PubMed 16473856; PubMed 17344927; PubMed 20301304; PubMed 21357940; PubMed 24319098.